The following is an entry in ClinVar:

NM_020247.5(COQ8A):c.427G>A (p.Gly143Arg)

Gene: COQ8A (coenzyme Q8A; plus strand). Cytogenetic location: 1q42.13.
Variant type: single nucleotide variant.
Coding change: c.427G>A on transcript NM_020247.5 (MANE Select); coding-DNA position 427, G replaced by A.
Protein change: p.Gly143Arg; replaces glycine 143 with arginine.
Molecular consequence: missense variant.
Genome position (GRCh38, 1-based): chr1:226,965,249, G>A. VCF-style: chr1-226965249-G-A. GRCh37 (hg19) VCF-style: chr1-227152950-G-A.
Other names: short protein forms G143R.
Identifiers: ClinVar variation 296010 (VCV000296010.9), dbSNP rs760566419, ClinGen allele CA1425007.

ClinVar aggregate classification (germline): Uncertain significance. Review status: criteria provided, multiple submitters, no conflicts (2 of 4 stars). 3 submissions from 3 submitters: Uncertain significance (3). Last evaluated 2022-05-04.

Conditions:
Autosomal recessive ataxia due to ubiquinone deficiency. Also called: SPINOCEREBELLAR ATAXIA, AUTOSOMAL RECESSIVE 9; Coenzyme Q10 deficiency, primary, 4. Identifiers: Orphanet 139485, MedGen C2677589, MONDO:0012784, OMIM 612016.

Allele frequency attached by ClinVar (database versions not stated): ExAC 0.00001; TOPMed 0.00002.
gnomAD v4.1: 7 of 1,613,992 alleles (0.00043%); highest among the groups gnomAD compares: African/African-American, 0.004%; no homozygotes.

Submissions (3):

Labcorp Genetics (formerly Invitae), Labcorp
Classification: Uncertain significance. Last evaluated: 2022-05-04. Review status: criteria provided, single submitter. Criteria: Invitae Variant Classification Sherloc (09022015). Collection method: clinical testing. Allele origin: germline.
Comment: This sequence change replaces glycine, which is neutral and non-polar, with arginine, which is basic and polar, at codon 143 of the COQ8A protein (p.Gly143Arg). This variant is present in population databases (rs760566419, gnomAD no frequency). This variant has not been reported in the literature in individuals affected with COQ8A-related conditions. ClinVar contains an entry for this variant (Variation ID: 296010). Advanced modeling of protein sequence and biophysical properties (such as structural, functional, and spatial information, amino acid conservation, physicochemical variation, residue mobility, and thermodynamic stability) performed at Invitae indicates that this missense variant is not expected to disrupt COQ8A protein function. In summary, the available evidence is currently insufficient to determine the role of this variant in disease. Therefore, it has been classified as a Variant of Uncertain Significance.

Athena Diagnostics
Classification: Uncertain significance. Last evaluated: 2020-03-31. Review status: criteria provided, single submitter. Criteria: Athena Diagnostics Criteria. Collection method: clinical testing. Allele origin: unknown.

Illumina Laboratory Services, Illumina
Classification: Uncertain significance for Autosomal recessive ataxia due to ubiquinone deficiency. Last evaluated: 2018-01-12. Review status: criteria provided, single submitter. Criteria: ICSL Variant Classification Criteria 13 December 2019. Collection method: clinical testing. Allele origin: germline.